The following is an entry in ClinVar:

NM_000540.3(RYR1):c.13937G>A (p.Cys4646Tyr)

Gene: RYR1 (ryanodine receptor 1; plus strand). Cytogenetic location: 19q13.2.
Variant type: single nucleotide variant.
Coding change: c.13937G>A on transcript NM_000540.3 (MANE Select); coding-DNA position 13937, G replaced by A.
Protein change: p.Cys4646Tyr; replaces cysteine 4646 with tyrosine.
Molecular consequence: missense variant.
Genome position (GRCh38, 1-based): chr19:38,572,209, G>A. VCF-style: chr19-38572209-G-A. GRCh37 (hg19) VCF-style: chr19-39062849-G-A.
Other names: c.13922G>A, p.Cys4641Tyr (NM_001042723.2); short protein forms C4641Y, C4646Y.
Identifiers: ClinVar variation 1505357 (VCV001505357.9), dbSNP rs2145870253, ClinGen allele CA081038.

ClinVar aggregate classification (germline): Uncertain significance (1 of 4 stars; one submission).

Conditions:
RYR1-related disorder. Also called: RYR1-related condition; RYR1-related disorders. Identifiers: MedGen CN239331.

Allele frequency attached by ClinVar (database versions not stated): gnomAD exomes 0.00001.
gnomAD v4.1: 5 of 1,613,606 alleles (0.00031%); highest among the groups gnomAD compares: Non-Finnish European, 0.00042%; no homozygotes.

Submission:

Labcorp Genetics (formerly Invitae), Labcorp
Classification: Uncertain significance for RYR1-related disorder. Last evaluated: 2022-10-14. Review status: criteria provided, single submitter. Criteria: Invitae Variant Classification Sherloc (09022015). Collection method: clinical testing. Allele origin: germline.
Comment: In summary, the available evidence is currently insufficient to determine the role of this variant in disease. Therefore, it has been classified as a Variant of Uncertain Significance. Advanced modeling of protein sequence and biophysical properties (such as structural, functional, and spatial information, amino acid conservation, physicochemical variation, residue mobility, and thermodynamic stability) performed at Invitae indicates that this missense variant is not expected to disrupt RYR1 protein function. ClinVar contains an entry for this variant (Variation ID: 1505357). This variant has not been reported in the literature in individuals affected with RYR1-related conditions. This variant is not present in population databases (gnomAD no frequency). This sequence change replaces cysteine, which is neutral and slightly polar, with tyrosine, which is neutral and polar, at codon 4646 of the RYR1 protein (p.Cys4646Tyr).